The following is an entry in ClinVar:

ClinVar aggregate classification (germline): Likely pathogenic (1 of 4 stars; one submission).

Conditions:
Hematuria, benign familial, 1 (BFH1). Also called: THIN MEMBRANE NEPHROPATHY. Identifiers: MedGen CN376803, MONDO:0007709, OMIM 141200.

Submission:

Molecular Genetics, Royal Melbourne Hospital
Classification: Likely pathogenic for Hematuria, benign familial, 1. Last evaluated: 2023-03-30. Review status: criteria provided, single submitter. Criteria: ACMG Guidelines, 2015. Collection method: clinical testing. Allele origin: germline. Affected: yes.
Comment: This sequence change is a duplication of 8 bp in exon 29 (of 48 exons) of COL4A4. This is predicted to create a premature termination codon (p.(Val820Phefs*52)), expected to result in an absent or disrupted protein product through nonsense mediated decay. Loss of function is an established mechanism for COL4A4-related renal disease (PMID including 27934798, 26833262, 19129241). The variant is absent in a large population cohort (gnomAD v2.1.1 and v3.1), and has not been previously reported. Based on the classification guidelines RMH Modified ACMG Guidelines v1.3.1, this variant is classified as LIKELY PATHOGENIC. The following criteria are met: PVS1, PM2_Supporting.

NM_000092.5(COL4A4):c.2446_2453dup (p.Val820fs)

Gene: COL4A4 (collagen type IV alpha 4 chain; minus strand). Cytogenetic location: 2q36.3.
Variant type: Duplication.
Coding change: c.2446_2453dup on transcript NM_000092.5 (MANE Select); coding-DNA positions 2446 to 2453, 8 bases duplicated (GGGTTTCC; older notation c.2446_2453dupGGGTTTCC).
Protein change: p.Val820fs; shifts the reading frame from valine 820.
Molecular consequence: frameshift variant.
Genome position (GRCh38, 1-based): chr2:227,057,531-227,057,538, GGAAACCC duplicated on the plus strand (GGGTTTCC on the coding strand, the reverse complement: COL4A4 is on the minus strand). VCF-style (leftmost placement, unchanged base first): chr2-227057530-T-TGGAAACCC. GRCh37 (hg19) VCF-style: chr2-227922246-T-TGGAAACCC.
Other names: c.2446_2453dupGGGTTTCC (NM_000092.5); short protein forms V820fs.
Identifiers: ClinVar variation 1678634 (VCV001678634.2), dbSNP rs2150250774, ClinGen allele CA1139768708.